The following is an entry in ClinVar:

ClinVar aggregate classification (germline): Pathogenic (1 of 4 stars; one submission).

Conditions:
Ellis-van Creveld syndrome (EVC). Also called: Chondroectodermal dysplasia; MESOECTODERMAL DYSPLASIA. Identifiers: Orphanet 289, MedGen C0013903, MONDO:0009162, OMIM 225500.

Submission:

Myriad Genetics, Inc.
Classification: Pathogenic for Ellis-van Creveld syndrome. Last evaluated: 2026-08-24. Review status: criteria provided, single submitter. Criteria: Myriad Autosomal Dominant, Autosomal Recessive and X-Linked Classification Criteria (2023). Collection method: clinical testing. Allele origin: unknown.
Comment: NM_147127.4(EVC2):c.157delG(A53Lfs*8) is a frameshift variant classified as pathogenic in the context of EVC2-related Ellis-van Creveld syndrome. A53Lfs*8 has not been observed in cases with relevant disease. Relevant functional assessments of this variant are not available in the literature. A53Lfs*8 has not been observed in referenced population frequency databases. In summary, NM_147127.4(EVC2):c.157delG(A53Lfs*8) is a frameshift variant in a gene where loss of function is a known mechanism of disease and is predicted to disrupt protein function. Please note: this variant was assessed in the context of healthy population screening.

NM_147127.5(EVC2):c.157del (p.Ala53fs)

Gene: EVC2 (EvC ciliary complex subunit 2; minus strand). Cytogenetic location: 4p16.2.
Variant type: Deletion.
Coding change: c.157del on transcript NM_147127.5 (MANE Select); coding-DNA position 157, one base deleted (G; older notation c.157delG).
Protein change: p.Ala53fs; shifts the reading frame from alanine 53.
Molecular consequence: frameshift variant. On other transcripts: intron variant (1).
Genome position (GRCh38, 1-based): chr4:5,708,357, C deleted on the plus strand (G on the coding strand, the reverse complement: EVC2 is on the minus strand); the first of 2 consecutive C bases (chr4:5,708,357-5,708,358); deleting either gives the same sequence. VCF-style (leftmost placement, unchanged base first): chr4-5708356-GC-G. GRCh37 (hg19) VCF-style: chr4-5710083-GC-G.
Other names: c.-13+472del (NM_001166136.2); short protein forms A53fs.
Identifiers: ClinVar variation 5004867 (VCV005004867.1).